The following is an entry in ClinVar:

NM_213655.5(WNK1):c.2464A>G (p.Ile822Val)

Gene: WNK1 (WNK lysine deficient protein kinase 1; plus strand). Cytogenetic location: 12p13.33.
Variant type: single nucleotide variant.
Coding change: c.2464A>G on transcript NM_213655.5 (MANE Plus Clinical); coding-DNA position 2464, A replaced by G.
Protein change: p.Ile822Val; replaces isoleucine 822 with valine.
Molecular consequence: missense variant. On other transcripts: intron variant (2).
Genome position (GRCh38, 1-based): chr12:867,935, A>G. VCF-style: chr12-867935-A-G. GRCh37 (hg19) VCF-style: chr12-977101-A-G.
Other names: c.2209A>G, p.Ile737Val (NM_001184985.2); c.2140-3330A>G (NM_018979.4, NM_014823.3); c.2464A>G (NM_213655.4); short protein forms I737V, I822V.
Identifiers: ClinVar variation 1393159 (VCV001393159.10), dbSNP rs751787202, ClinGen allele CA6382179.

ClinVar aggregate classification (germline): Conflicting classifications of pathogenicity. Review status: criteria provided, conflicting classifications (1 of 4 stars). 3 submissions from 3 submitters: Uncertain significance (2); Likely benign (1). Last evaluated 2025-09-03.

Conditions:
Neuropathy, hereditary sensory and autonomic, type 2A (HSAN2A). Also called: ACROOSTEOLYSIS, GIACCAI TYPE; ACROOSTEOLYSIS, NEUROGENIC; MORVAN DISEASE; NEUROPATHY, CONGENITAL SENSORY; NEUROPATHY, HEREDITARY SENSORY RADICULAR, AUTOSOMAL RECESSIVE; NEUROPATHY, HEREDITARY SENSORY, TYPE IIA. Identifiers: Orphanet 970, MedGen C2752089, MONDO:0024309, OMIM 201300.
Pseudohypoaldosteronism type 2C (PHA2C). Also called: Pseudohypoaldosteronism Type IIC. Identifiers: Orphanet 757, Orphanet 88940, MedGen C1840391, MONDO:0013778, OMIM 614492.
Inborn genetic diseases. Identifiers: MedGen C0950123, MeSH D030342.

Allele frequency attached by ClinVar (database versions not stated): ExAC 0.00001; gnomAD exomes 0.00001.
gnomAD v4.1: 4 of 1,613,950 alleles (0.00025%); highest among the groups gnomAD compares: Non-Finnish European, 0.00034%; no homozygotes.

Submissions (3):

Labcorp Genetics (formerly Invitae), Labcorp
Classification: Uncertain significance for Neuropathy, hereditary sensory and autonomic, type 2A; Pseudohypoaldosteronism type 2C. Last evaluated: 2025-09-03. Review status: criteria provided, single submitter. Criteria: Invitae Variant Classification Sherloc (09022015). Collection method: clinical testing. Allele origin: germline.
Comment: This sequence change replaces isoleucine, which is neutral and non-polar, with valine, which is neutral and non-polar, at codon 822 of the WNK1 protein (p.Ile822Val). This variant is present in population databases (rs751787202, gnomAD 0.002%). This variant has not been reported in the literature in individuals affected with WNK1-related conditions. ClinVar contains an entry for this variant (Variation ID: 1393159). Invitae Evidence Modeling of protein sequence and biophysical properties (such as structural, functional, and spatial information, amino acid conservation, physicochemical variation, residue mobility, and thermodynamic stability) indicates that this missense variant is not expected to disrupt WNK1 protein function with a negative predictive value of 95%. In summary, the available evidence is currently insufficient to determine the role of this variant in disease. Therefore, it has been classified as a Variant of Uncertain Significance.

Fulgent Genetics
Classification: Uncertain significance for Neuropathy, hereditary sensory and autonomic, type 2A; Pseudohypoaldosteronism type 2C. Last evaluated: 2024-01-15. Review status: criteria provided, single submitter. Criteria: ACMG Guidelines, 2015. Collection method: clinical testing. Allele origin: germline.

Ambry Genetics
Classification: Likely benign for Inborn genetic diseases. Last evaluated: 2024-01-02. Review status: criteria provided, single submitter. Criteria: Ambry Variant Classification Scheme 2023. Collection method: clinical testing. Allele origin: germline.